The following is an entry in ClinVar:

ClinVar aggregate classification (germline): Uncertain significance (1 of 4 stars; one submission).

gnomAD v4.1: 2 of 1,614,222 alleles (0.00012%); highest among the groups gnomAD compares: East Asian, 0.0022%; no homozygotes.

Submission:

GeneDx
Classification: Uncertain significance. Last evaluated: 2026-03-19. Review status: criteria provided, single submitter. Criteria: GeneDx Variant Classification Process June 2021. Collection method: clinical testing. Allele origin: germline.
Comment: Not observed at significant frequency in large population cohorts (gnomAD); In silico analysis supports that this missense variant has a deleterious effect on protein structure/function; Has not been previously published as pathogenic or benign to our knowledge

NM_001273.5(CHD4):c.3070C>T (p.Leu1024Phe)

Gene: CHD4 (chromodomain helicase DNA binding protein 4; minus strand). Cytogenetic location: 12p13.31.
Variant type: single nucleotide variant.
Coding change: c.3070C>T on transcript NM_001273.5 (MANE Select); coding-DNA position 3070, C replaced by T.
Protein change: p.Leu1024Phe; replaces leucine 1024 with phenylalanine.
Molecular consequence: missense variant.
Genome position (GRCh38, 1-based): chr12:6,591,936, G>A on the plus strand (C>T on the coding strand, the complement: CHD4 is on the minus strand). VCF-style: chr12-6591936-G-A. GRCh37 (hg19) VCF-style: chr12-6701102-G-A.
Other names: c.3049C>T, p.Leu1017Phe (NM_001297553.2); c.3031C>T, p.Leu1011Phe (NM_001363606.2); short protein forms L1011F, L1017F, L1024F.
Identifiers: ClinVar variation 5017110 (VCV005017110.1).
Genomic context (GRCh38, chr12:6,591,936, plus strand): 5'-AGACCCAACCCAGGGAGGAACAGGAGATGGCACTACATACCATTGCAGCCACAGGGAAGA[G>A]GTATGGATGGTTGCAGCACTTCTTAAGATCCATCACCACATTCAGCAGAGACACCTGGTT-3'
Protein context (NP_001264.2, residues 1014-1034): DLKKCCNHPY[Leu1024Phe]FPVAAMEAPK